The following is an entry in ClinVar:

NM_001184900.3(CARD8):c.448T>C (p.Phe150Leu)

Gene: CARD8 (caspase recruitment domain family member 8; minus strand). Cytogenetic location: 19q13.33.
Variant type: single nucleotide variant.
Coding change: c.448T>C on transcript NM_001184900.3 (MANE Select); coding-DNA position 448, T replaced by C.
Protein change: p.Phe150Leu; replaces phenylalanine 150 with leucine.
Molecular consequence: missense variant. On other transcripts: non-coding transcript variant (4).
Genome position (GRCh38, 1-based): chr19:48,231,754, A>G on the plus strand (T>C on the coding strand, the complement: CARD8 is on the minus strand). VCF-style: chr19-48231754-A-G. GRCh37 (hg19) VCF-style: chr19-48735011-A-G.
Other names: c.298T>C, p.Phe100Leu (NM_001184901.1, NM_001351783.2, NM_001351788.2 and 2 more transcripts); c.448T>C, p.Phe150Leu (NM_001184902.2, NM_001184903.1, NM_001351782.2); c.133T>C, p.Phe45Leu (NM_001351784.2, NM_001351787.2, NM_001351791.2 and 2 more transcripts); c.112T>C, p.Phe38Leu (NM_001351786.2); c.205T>C, p.Phe69Leu (NM_001351790.2); short protein forms F69L, F150L, F100L, F38L, F45L.
Identifiers: ClinVar variation 3683410 (VCV003683410.2).
Genomic context (GRCh38, chr19:48,231,754, plus strand): 5'-CATCCACATTTCCTTCAGGCCCCAGAAACTGACGATTTTTATAATCTTCTTCGATCTCAA[A>G]ACAGACTTTAGAAGCATAAGAGGAAACTATTTGATTCTCTTCTGAGCAAATGTCTCCTGA-3'
Protein context (NP_001171829.1, residues 140-160): IVSSYASKVC[Phe150Leu]EIEEDYKNRQ

ClinVar aggregate classification (germline): Uncertain significance (1 of 4 stars; one submission).

Submission:

Labcorp Genetics (formerly Invitae), Labcorp
Classification: Uncertain significance. Last evaluated: 2024-02-02. Review status: criteria provided, single submitter. Criteria: Invitae Variant Classification Sherloc (09022015). Collection method: clinical testing. Allele origin: germline.
Comment: This sequence change replaces phenylalanine, which is neutral and non-polar, with leucine, which is neutral and non-polar, at codon 100 of the CARD8 protein (p.Phe100Leu). This variant is not present in population databases (gnomAD no frequency). This variant has not been reported in the literature in individuals affected with CARD8-related conditions. An algorithm developed to predict the effect of missense changes on protein structure and function (PolyPhen-2) suggests that this variant is likely to be tolerated. In summary, the available evidence is currently insufficient to determine the role of this variant in disease. Therefore, it has been classified as a Variant of Uncertain Significance.